The following is an entry in ClinVar:

ClinVar aggregate classification (germline): Uncertain significance (1 of 4 stars; one submission).

Conditions:
Joubert syndrome. Also called: CEREBELLOPARENCHYMAL DISORDER IV; JOUBERT-BOLTSHAUSER SYNDROME; Familial aplasia of the vermis. Identifiers: Orphanet 475, MedGen C5979921, MONDO:0018772.
Meckel-Gruber syndrome. Also called: DYSENCEPHALIA SPLANCHNOCYSTICA; GRUBER SYNDROME; Dysencephalia splachnocystica. Identifiers: Orphanet 564, MedGen C0265215, MONDO:0018921.

Submission:

Labcorp Genetics (formerly Invitae), Labcorp
Classification: Uncertain significance for Joubert syndrome; Meckel-Gruber syndrome. Last evaluated: 2024-10-17. Review status: criteria provided, single submitter. Criteria: Invitae Variant Classification Sherloc (09022015). Collection method: clinical testing. Allele origin: germline.
Comment: This sequence change replaces aspartic acid, which is acidic and polar, with glutamic acid, which is acidic and polar, at codon 890 of the RPGRIP1L protein (p.Asp890Glu). This variant is not present in population databases (gnomAD no frequency). This variant has not been reported in the literature in individuals affected with RPGRIP1L-related conditions. Invitae Evidence Modeling of protein sequence and biophysical properties (such as structural, functional, and spatial information, amino acid conservation, physicochemical variation, residue mobility, and thermodynamic stability) indicates that this missense variant is expected to disrupt RPGRIP1L protein function with a positive predictive value of 80%. In summary, the available evidence is currently insufficient to determine the role of this variant in disease. Therefore, it has been classified as a Variant of Uncertain Significance.

NM_015272.5(RPGRIP1L):c.2670C>A (p.Asp890Glu)

Gene: RPGRIP1L (RPGRIP1 like; minus strand). Cytogenetic location: 16q12.2.
Variant type: single nucleotide variant.
Coding change: c.2670C>A on transcript NM_015272.5 (MANE Select); coding-DNA position 2670, C replaced by A.
Protein change: p.Asp890Glu; replaces aspartic acid 890 with glutamic acid.
Molecular consequence: missense variant.
Genome position (GRCh38, 1-based): chr16:53,645,638, G>T on the plus strand (C>A on the coding strand, the complement: RPGRIP1L is on the minus strand). VCF-style: chr16-53645638-G-T. GRCh37 (hg19) VCF-style: chr16-53679550-G-T.
Other names: c.2670C>A, p.Asp890Glu (NM_001127897.4, NM_001308334.3, NM_001330538.2); short protein forms D890E.
Identifiers: ClinVar variation 3762585 (VCV003762585.2).